The following is an entry in ClinVar:

NM_002778.4(PSAP):c.423C>T (p.Leu141=)

Gene: PSAP (prosaposin; minus strand). Cytogenetic location: 10q22.1.
Variant type: single nucleotide variant.
Coding change: c.423C>T on transcript NM_002778.4 (MANE Select); coding-DNA position 423, C replaced by T.
Protein change: p.Leu141=; no amino-acid change (leucine 141 retained).
Molecular consequence: synonymous variant.
Genome position (GRCh38, 1-based): chr10:71,829,030, G>A on the plus strand (C>T on the coding strand, the complement: PSAP is on the minus strand). VCF-style: chr10-71829030-G-A. GRCh37 (hg19) VCF-style: chr10-73588787-G-A.
Other names: p.Leu141=; c.423C>T, p.Leu141= (NM_001042465.3, NM_001042466.3).
Identifiers: ClinVar variation 879500 (VCV000879500.14), dbSNP rs780891597, ClinGen allele CA5547771.

ClinVar aggregate classification (germline): Conflicting classifications of pathogenicity. Review status: criteria provided, conflicting classifications (1 of 4 stars). 6 submissions from 3 submitters: Uncertain significance (3); Benign (1); Likely benign (2). Last evaluated 2026-01-17.

Conditions:
Sphingolipid activator protein 1 deficiency. Also called: Metachromatic leukodystrophy due to saposin B deficiency; Saposin B Deficiency; METACHROMATIC LEUKODYSTROPHY DUE TO CEREBROSIDE SULFATASE ACTIVATOR DEFICIENCY. Identifiers: Orphanet 512, MedGen C0268262, MONDO:0009590, OMIM 249900.
Krabbe disease due to saposin A deficiency. Also called: Saposin A Deficiency; KRABBE DISEASE, ATYPICAL, DUE TO SAPOSIN A DEFICIENCY. Identifiers: Orphanet 487, MedGen C2673266, MONDO:0012720, OMIM 611722.
Combined PSAP deficiency (PSAPD). Also called: COMBINED SAP DEFICIENCY; PROSAPOSIN DEFICIENCY; Encephalopathy due to prosaposin deficiency. Identifiers: Orphanet 139406, MedGen C2673635, MONDO:0012719, OMIM 611721.
Gaucher disease due to saposin C deficiency. Also called: Atypical Gaucher disease due to saposin C deficiency; Saposin C Deficiency. Identifiers: Orphanet 309252, Orphanet 355, MedGen C1864651, MONDO:0012517, OMIM 610539.

Allele frequency attached by ClinVar (database versions not stated): gnomAD 0.00001; gnomAD exomes 0.00001 and 0.00003; TOPMed 0.00001; ExAC 0.00002.
gnomAD v4.1: 9 of 1,614,022 alleles (0.00056%); highest among the groups gnomAD compares: Admixed American, 0.01%; no homozygotes.

Submissions (6):

Labcorp Genetics (formerly Invitae), Labcorp
Classification: Likely benign for Sphingolipid activator protein 1 deficiency. Last evaluated: 2026-01-17. Review status: criteria provided, single submitter. Criteria: Invitae Variant Classification Sherloc (09022015). Collection method: clinical testing. Allele origin: germline.

Mayo Clinic Laboratories, Mayo Clinic
Classification: Likely benign. Last evaluated: 2025-09-03. Review status: criteria provided, single submitter. Criteria: ACMG Guidelines, 2015. Collection method: clinical testing. Allele origin: germline. Observed: 1 variant allele.
Comment: BP4, BP7

Illumina Laboratory Services, Illumina
Classification: Benign for Gaucher disease due to saposin C deficiency. Last evaluated: 2018-01-13. Review status: criteria provided, single submitter. Criteria: ICSL Variant Classification Criteria 13 December 2019. Collection method: clinical testing. Allele origin: germline.
Comment: This variant was observed in the ICSL laboratory as part of a predisposition screen in an ostensibly healthy population. It had not been previously curated by ICSL or reported in the Human Gene Mutation Database (HGMD: prior to June 1st, 2018), and was therefore a candidate for classification through an automated scoring system. Utilizing variant allele frequency, disease prevalence and penetrance estimates, and inheritance mode, an automated score was calculated to assess if this variant is too frequent to cause the disease. Based on the score and internal cut-off values, a variant classified as benign is not then subjected to further curation. The score for this variant resulted in a classification of benign for this disease.

Illumina Laboratory Services, Illumina
Classification: Uncertain significance for Sphingolipid activator protein 1 deficiency. Last evaluated: 2018-01-13. Review status: criteria provided, single submitter. Criteria: ICSL Variant Classification Criteria 13 December 2019. Collection method: clinical testing. Allele origin: germline.

Illumina Laboratory Services, Illumina
Classification: Uncertain significance for Combined PSAP deficiency. Last evaluated: 2018-01-13. Review status: criteria provided, single submitter. Criteria: ICSL Variant Classification Criteria 13 December 2019. Collection method: clinical testing. Allele origin: germline.

Illumina Laboratory Services, Illumina
Classification: Uncertain significance for Krabbe disease due to saposin A deficiency. Last evaluated: 2018-01-13. Review status: criteria provided, single submitter. Criteria: ICSL Variant Classification Criteria 13 December 2019. Collection method: clinical testing. Allele origin: germline.